The following is an entry in ClinVar:

NM_001321721.2(SLC28A1):c.1582-4G>C

Gene: SLC28A1 (solute carrier family 28 member 1; plus strand). Cytogenetic location: 15q25.3.
Variant type: single nucleotide variant.
Coding change: c.1582-4G>C on transcript NM_001321721.2; 4 bases into the intron before coding-DNA position 1582, G replaced by C.
Molecular consequence: intron variant.
Genome position (GRCh38, 1-based): chr15:84,961,522, G>C. VCF-style: chr15-84961522-G-C. GRCh37 (hg19) VCF-style: chr15-85504753-G-C.
Other names: c.1875-13983G>C (NM_001321722.2).
Identifiers: ClinVar variation 3055828 (VCV003055828.2), dbSNP rs111460093, ClinGen allele CA7711051.

ClinVar aggregate classification (germline): Benign (0 of 4 stars; one submission).

Conditions:
SLC28A1-related disorder. Also called: SLC28A1-related condition.

Allele frequency attached by ClinVar (database versions not stated): 1000 Genomes Project 0.08107; ExAC 0.04607; gnomAD 0.08981; gnomAD exomes 0.05620; 1000 Genomes Project 30x 0.08323; TOPMed 0.09320.
gnomAD v4.1: 30,642 of 453,310 alleles (6.8%); highest among the groups gnomAD compares: African/African-American, 16%; 1,414 homozygotes.

Submission:

PreventionGenetics, part of Exact Sciences
Classification: Benign for SLC28A1-related condition. Last evaluated: 2019-11-01. Review status: no assertion criteria provided. Collection method: clinical testing. Allele origin: germline.
Comment: This variant is classified as benign based on ACMG/AMP sequence variant interpretation guidelines (Richards et al. 2015 PMID: 25741868, with internal and published modifications).